The following is an entry in ClinVar:

NM_001130987.2(DYSF):c.4372C>T (p.Pro1458Ser)

Gene: DYSF (dysferlin; plus strand). Cytogenetic location: 2p13.2.
Variant type: single nucleotide variant.
Coding change: c.4372C>T on transcript NM_001130987.2 (MANE Select); coding-DNA position 4372, C replaced by T.
Protein change: p.Pro1458Ser; replaces proline 1458 with serine.
Molecular consequence: missense variant.
Genome position (GRCh38, 1-based): chr2:71,612,791, C>T. VCF-style: chr2-71612791-C-T. GRCh37 (hg19) VCF-style: chr2-71839921-C-T.
Other names: c.4321C>T, p.Pro1441Ser (NM_001130455.2, NM_001130983.2); c.4276C>T, p.Pro1426Ser (NM_001130976.2, NM_001130977.2); c.4318C>T, p.Pro1440Ser (NM_001130978.2, NM_003494.4); c.4411C>T, p.Pro1471Ser (NM_001130979.2); c.4369C>T, p.Pro1457Ser (NM_001130980.2, NM_001130981.2); c.4414C>T, p.Pro1472Ser (NM_001130982.2); c.4279C>T, p.Pro1427Ser (NM_001130984.2, NM_001130986.2); c.4372C>T, p.Pro1458Ser (NM_001130985.2); short protein forms P1427S, P1457S, P1441S, P1458S, P1472S, P1426S, P1440S, P1471S.
Identifiers: ClinVar variation 855516 (VCV000855516.11), dbSNP rs151109021, ClinGen allele CA1706979.

ClinVar aggregate classification (germline): Uncertain significance. Review status: criteria provided, multiple submitters, no conflicts (2 of 4 stars). 3 submissions from 3 submitters: Uncertain significance (2). 1 of the submissions does not count toward it. Last evaluated 2025-10-27.

Conditions:
Inborn genetic diseases. Identifiers: MedGen C0950123, MeSH D030342.
Neuromuscular disease caused by qualitative or quantitative defects of dysferlin. Also called: Qualitative or quantitative defects of dysferlin; Dysferlinopathy. Identifiers: Orphanet 207073, MedGen C2931687, MONDO:0016145.
Autosomal recessive limb-girdle muscular dystrophy type 2B (LGMDR2). Also called: Limb-Girdle Muscular Dystrophy Type 2B (LGMD2B); Limb-girdle muscular dystrophy, type 2B; MUSCULAR DYSTROPHY, LIMB-GIRDLE, TYPE 3; MUSCULAR DYSTROPHY, LIMB-GIRDLE, AUTOSOMAL RECESSIVE 2. Identifiers: Orphanet 268, MedGen C1850889, MONDO:0009676, OMIM 253601.

Allele frequency attached by ClinVar (database versions not stated): gnomAD exomes below 0.00001 and 0.00001; ExAC 0.00001; TOPMed 0.00001; ESP Exome Variant Server 0.00008.
gnomAD v4.1: 5 of 1,612,756 alleles (0.00031%); highest among the groups gnomAD compares: Non-Finnish European, 0.00034%; no homozygotes.

Submissions (3):

Labcorp Genetics (formerly Invitae), Labcorp
Classification: Uncertain significance for Neuromuscular disease caused by qualitative or quantitative defects of dysferlin. Last evaluated: 2025-10-27. Review status: criteria provided, single submitter. Criteria: Invitae Variant Classification Sherloc (09022015). Collection method: clinical testing. Allele origin: germline.
Comment: This sequence change replaces proline, which is neutral and non-polar, with serine, which is neutral and polar, at codon 1440 of the DYSF protein (p.Pro1440Ser). This variant is present in population databases (rs151109021, gnomAD 0.0009%). This variant has not been reported in the literature in individuals affected with DYSF-related conditions. ClinVar contains an entry for this variant (Variation ID: 855516). Invitae Evidence Modeling of protein sequence and biophysical properties (such as structural, functional, and spatial information, amino acid conservation, physicochemical variation, residue mobility, and thermodynamic stability) indicates that this missense variant is not expected to disrupt DYSF protein function with a negative predictive value of 95%. In summary, the available evidence is currently insufficient to determine the role of this variant in disease. Therefore, it has been classified as a Variant of Uncertain Significance.

Ambry Genetics
Classification: Uncertain significance for Inborn genetic diseases. Last evaluated: 2023-09-20. Review status: criteria provided, single submitter. Criteria: Ambry Variant Classification Scheme 2023. Collection method: clinical testing. Allele origin: germline.

Natera, Inc.
Classification: Uncertain significance for Limb-girdle muscular dystrophy type 2B. Last evaluated: 2020-01-29. Review status: no assertion criteria provided. Collection method: clinical testing. Allele origin: germline. Not counted in ClinVar's aggregate classification.